The following is an entry in ClinVar:

ClinVar aggregate classification (germline): Uncertain significance (1 of 4 stars; one submission).

Submission:

Labcorp Genetics (formerly Invitae), Labcorp
Classification: Uncertain significance. Last evaluated: 2024-08-28. Review status: criteria provided, single submitter. Criteria: Invitae Variant Classification Sherloc (09022015). Collection method: clinical testing. Allele origin: germline.
Comment: This sequence change replaces alanine, which is neutral and non-polar, with aspartic acid, which is acidic and polar, at codon 2122 of the PRPF8 protein (p.Ala2122Asp). This variant is not present in population databases (gnomAD no frequency). This variant has not been reported in the literature in individuals affected with PRPF8-related conditions. Invitae Evidence Modeling of protein sequence and biophysical properties (such as structural, functional, and spatial information, amino acid conservation, physicochemical variation, residue mobility, and thermodynamic stability) indicates that this missense variant is not expected to disrupt PRPF8 protein function with a negative predictive value of 80%. In summary, the available evidence is currently insufficient to determine the role of this variant in disease. Therefore, it has been classified as a Variant of Uncertain Significance.

NM_006445.4(PRPF8):c.6365C>A (p.Ala2122Asp)

Gene: PRPF8 (pre-mRNA processing factor 8; minus strand). Cytogenetic location: 17p13.3.
Variant type: single nucleotide variant.
Coding change: c.6365C>A on transcript NM_006445.4 (MANE Select); coding-DNA position 6365, C replaced by A.
Protein change: p.Ala2122Asp; replaces alanine 2122 with aspartic acid.
Molecular consequence: missense variant.
Genome position (GRCh38, 1-based): chr17:1,653,546, G>T on the plus strand (C>A on the coding strand, the complement: PRPF8 is on the minus strand). VCF-style: chr17-1653546-G-T. GRCh37 (hg19) VCF-style: chr17-1556840-G-T.
Other names: short protein forms A2122D.
Identifiers: ClinVar variation 3693331 (VCV003693331.2).